The following is an entry in ClinVar:

ClinVar aggregate classification (germline): Uncertain significance (1 of 4 stars; one submission).

Conditions:
Osteogenesis imperfecta type 8 (OI8). Identifiers: MedGen C1970458, MONDO:0012581, OMIM 610915.

Allele frequency attached by ClinVar (database versions not stated): ExAC 0.00003; gnomAD 0.00003 and 0.00004; gnomAD exomes 0.00004; TOPMed 0.00006; ESP Exome Variant Server 0.00015.

Submission:

Labcorp Genetics (formerly Invitae), Labcorp
Classification: Uncertain significance for Osteogenesis imperfecta type 8. Last evaluated: 2022-07-12. Review status: criteria provided, single submitter. Criteria: Invitae Variant Classification Sherloc (09022015). Collection method: clinical testing. Allele origin: germline.
Comment: This sequence change replaces proline, which is neutral and non-polar, with threonine, which is neutral and polar, at codon 358 of the P3H1 protein (p.Pro358Thr). This variant is present in population databases (rs150509550, gnomAD 0.007%). This variant has not been reported in the literature in individuals affected with P3H1-related conditions. ClinVar contains an entry for this variant (Variation ID: 1019752). Algorithms developed to predict the effect of missense changes on protein structure and function (SIFT, PolyPhen-2, Align-GVGD) all suggest that this variant is likely to be tolerated. In summary, the available evidence is currently insufficient to determine the role of this variant in disease. Therefore, it has been classified as a Variant of Uncertain Significance.

NM_022356.4(P3H1):c.1072C>A (p.Pro358Thr)

Gene: P3H1 (prolyl 3-hydroxylase 1; minus strand). Cytogenetic location: 1p34.2.
Variant type: single nucleotide variant.
Coding change: c.1072C>A on transcript NM_022356.4 (MANE Select); coding-DNA position 1072, C replaced by A.
Protein change: p.Pro358Thr; replaces proline 358 with threonine.
Molecular consequence: missense variant.
Genome position (GRCh38, 1-based): chr1:42,757,791, G>T on the plus strand (C>A on the coding strand, the complement: P3H1 is on the minus strand). VCF-style: chr1-42757791-G-T. GRCh37 (hg19) VCF-style: chr1-43223462-G-T.
Other names: c.1072C>A, p.Pro358Thr (NM_001146289.2, NM_001243246.2); short protein forms P358T.
Identifiers: ClinVar variation 1019752 (VCV001019752.4), dbSNP rs150509550, ClinGen allele CA801991.